The following is an entry in ClinVar:

NM_000135.4(FANCA):c.3444del (p.Ser1149fs)

Gene: FANCA (FA complementation group A; minus strand). Cytogenetic location: 16q24.3.
Variant type: Deletion.
Coding change: c.3444del on transcript NM_000135.4 (MANE Select); coding-DNA position 3444, one base deleted (C; older notation c.3444delC).
Protein change: p.Ser1149fs; shifts the reading frame from serine 1149.
Molecular consequence: frameshift variant.
Genome position (GRCh38, 1-based): chr16:89,746,653, G deleted on the plus strand (C on the coding strand, the reverse complement: FANCA is on the minus strand); the first of 4 consecutive G bases (chr16:89,746,653-89,746,656); deleting any one gives the same sequence. VCF-style (leftmost placement, unchanged base first): chr16-89746652-AG-A. GRCh37 (hg19) VCF-style: chr16-89813060-AG-A.
Other names: c.3444del, p.Ser1149fs (NM_001286167.3); short protein forms S1149fs.
Identifiers: ClinVar variation 4067951 (VCV004067951.2).

ClinVar aggregate classification (germline): Likely pathogenic (1 of 4 stars; one submission).

Conditions:
Fanconi anemia (FA). Also called: Fanconi's anemia. Identifiers: Orphanet 84, MedGen C0015625, MeSH D005199, MONDO:0019391.

Submission:

Natera, Inc.
Classification: Likely pathogenic for Fanconi anemia. Last evaluated: 2025-04-22. Review status: criteria provided, single submitter. Criteria: Natera Variant Classification Schema (03/2026). Collection method: clinical testing. Allele origin: germline.
Comment: The c.3444del variant in FANCA is a frameshift variant predicted to shift the reading frame beginning at codon 1149 and leads to a stop codon 2 codons downstream. This variant is expected to result in nonsense mediated decay, truncation, or a dysfunctional protein product. This variant is rare in the general population with a frequency below the threshold expected for the associated phenotype(s). Given the available evidence, this variant is classified as Likely Pathogenic.